The following is an entry in ClinVar:

ClinVar aggregate classification (germline): Uncertain significance (1 of 4 stars; one submission).

Submission:

Dasa
Classification: Uncertain significance. Last evaluated: 2025-01-13. Review status: criteria provided, single submitter. Criteria: DASA Assertion Criteria. Collection method: clinical testing. Allele origin: germline.
Comment: NM_021625.5(TRPV4):c.842A>G (p.Tyr281Cys) is a missense variant that results in the substitution of tyrosine with cysteine. This variant is absent from population databases. Computational prediction algorithms are consistent with a benign effect. The currently available literature and clinical evidence are not sufficient to establish a definitive association between this variant and the reported condition. Therefore, this variant is classified as a variant of uncertain significance.

NM_021625.5(TRPV4):c.842A>G (p.Tyr281Cys)

Gene: TRPV4 (transient receptor potential cation channel subfamily V member 4; minus strand). Cytogenetic location: 12q24.11.
Variant type: single nucleotide variant.
Coding change: c.842A>G on transcript NM_021625.5 (MANE Select); coding-DNA position 842, A replaced by G.
Protein change: p.Tyr281Cys; replaces tyrosine 281 with cysteine.
Molecular consequence: missense variant. On other transcripts: intron variant (2).
Genome position (GRCh38, 1-based): chr12:109,800,629, T>C on the plus strand (A>G on the coding strand, the complement: TRPV4 is on the minus strand). VCF-style: chr12-109800629-T-C. GRCh37 (hg19) VCF-style: chr12-110238434-T-C.
Other names: c.842A>G, p.Tyr281Cys (NM_147204.3); c.713-1717A>G (NM_001177433.1, NM_001177428.1); c.740A>G, p.Tyr247Cys (NM_001177431.2); short protein forms Y247C, Y281C.
Identifiers: ClinVar variation 5021015 (VCV005021015.1).